The following is an entry in ClinVar:

ClinVar aggregate classification (germline): Uncertain significance (1 of 4 stars; one submission).

Conditions:
Carney complex, type 1 (CNC1). Also called: CARNEY MYXOMA-ENDOCRINE COMPLEX; CARNEY COMPLEX, TYPE I. Identifiers: Orphanet 1359, MedGen C2607929, MONDO:0008057, OMIM 160980.

Submission:

Labcorp Genetics (formerly Invitae), Labcorp
Classification: Uncertain significance for Carney complex, type 1. Last evaluated: 2020-02-25. Review status: criteria provided, single submitter. Criteria: Invitae Variant Classification Sherloc (09022015). Collection method: clinical testing. Allele origin: germline.
Comment: This sequence change replaces methionine with leucine at codon 47 of the PRKAR1A protein (p.Met47Leu). The methionine residue is moderately conserved and there is a small physicochemical difference between methionine and leucine. This variant is not present in population databases (ExAC no frequency). This variant has not been reported in the literature in individuals with PRKAR1A-related conditions. Algorithms developed to predict the effect of missense changes on protein structure and function (SIFT, PolyPhen-2, Align-GVGD) all suggest that this variant is likely to be tolerated, but these predictions have not been confirmed by published functional studies and their clinical significance is uncertain. In summary, the available evidence is currently insufficient to determine the role of this variant in disease. Therefore, it has been classified as a Variant of Uncertain Significance.

NM_002734.5(PRKAR1A):c.139A>T (p.Met47Leu)

Gene: PRKAR1A (protein kinase cAMP-dependent type I regulatory subunit alpha; plus strand). Cytogenetic location: 17q24.2.
Variant type: single nucleotide variant.
Coding change: c.139A>T on transcript NM_002734.5 (MANE Select); coding-DNA position 139, A replaced by T.
Protein change: p.Met47Leu; replaces methionine 47 with leucine.
Molecular consequence: missense variant.
Genome position (GRCh38, 1-based): chr17:68,515,538, A>T. VCF-style: chr17-68515538-A-T. GRCh37 (hg19) VCF-style: chr17-66511679-A-T.
Other names: c.139A>T, p.Met47Leu (NM_001276289.2, NM_001276290.1, NM_001278433.2 and 4 more transcripts); short protein forms M47L.
Identifiers: ClinVar variation 1008142 (VCV001008142.9), dbSNP rs548529083, ClinGen allele CA400752047.
Genomic context (GRCh38, chr17:68,515,538, plus strand): 5'-ATTCAAGCGCTGCTCAAAGATTCTATTGTGCAGTTGTGCACTGCTCGACCTGAGAGACCC[A>T]TGGCATTCCTCAGGGAATACTTTGAGAGGTTGGAGAAGGTAAAAATAAATGTGGGGAGAT-3'
Protein context (NP_002725.1, residues 37-57): QLCTARPERP[Met47Leu]AFLREYFERL